The following is an entry in ClinVar:

NC_000023.10:g.(?_48932462)_(48935755_?)del

Gene: WDR45 (WD repeat domain 45; minus strand). Cytogenetic location: Xp11.23.
Variant type: Deletion.
Identifiers: ClinVar variation 2425684 (VCV002425684.2).

ClinVar aggregate classification (germline): Pathogenic (1 of 4 stars; one submission).

Conditions:
Neurodegeneration with brain iron accumulation 5 (NBIA5). Also called: STATIC ENCEPHALOPATHY OF CHILDHOOD WITH NEURODEGENERATION IN ADULTHOOD; Beta-propeller protein-associated neurodegeneration. Identifiers: Orphanet 329284, MedGen C3550973, MONDO:0010476, OMIM 300894.

Submission:

Labcorp Genetics (formerly Invitae), Labcorp
Classification: Pathogenic for Neurodegeneration with brain iron accumulation 5. Last evaluated: 2022-07-12. Review status: criteria provided, single submitter. Criteria: Invitae Variant Classification Sherloc (09022015). Collection method: clinical testing. Allele origin: germline.
Comment: A gross deletion of the genomic region encompassing the full coding sequence of the WDR45 gene has been identified. Loss-of-function variants in WDR45 are known to be pathogenic (PMID: 23176820, 24368176, 24621584, 25744623, 26790960, 27030146, 27652284, 28554332). The boundaries of this event are unknown as they extend beyond the assayed region for this gene and therefore may encompass additional genes. A similar copy number variant has been observed in individual(s) with WDR45-related conditions (PMID: 29082105). For these reasons, this variant has been classified as Pathogenic.

Literature cited by the submitters: PubMed 23176820; PubMed 24368176; PubMed 24621584; PubMed 25744623; PubMed 26790960; PubMed 27030146; PubMed 27652284; PubMed 28554332; PubMed 29082105.